The following is an entry in ClinVar:

ClinVar aggregate classification (germline): Likely pathogenic. Review status: criteria provided, multiple submitters, no conflicts (2 of 4 stars). 2 submissions from 2 submitters: Likely pathogenic (2). Last evaluated 2023-05-17.

Conditions:
Fanconi anemia (FA). Also called: Fanconi's anemia. Identifiers: Orphanet 84, MedGen C0015625, MeSH D005199, MONDO:0019391.
Fanconi anemia complementation group A (FANCA). Also called: Fanconi anemia, group A; FANCA-Related Fanconi Anemia. Identifiers: Orphanet 84, MedGen C3469521, MONDO:0009215, OMIM 227650.

Allele frequency attached by ClinVar (database versions not stated): gnomAD 0.00001.
gnomAD v4.1: 1 of 1,613,366 alleles (0.000062%); highest among the groups gnomAD compares: Non-Finnish European, 0.000085%; no homozygotes.

Submissions (2):

Baylor Genetics
Classification: Likely pathogenic for Fanconi anemia complementation group A. Last evaluated: 2023-05-17. Review status: criteria provided, single submitter. Criteria: ACMG Guidelines, 2015. Collection method: clinical testing. Allele origin: unknown.

Labcorp Genetics (formerly Invitae), Labcorp
Classification: Likely pathogenic for Fanconi anemia. Last evaluated: 2019-06-22. Review status: criteria provided, single submitter. Criteria: Invitae Variant Classification Sherloc (09022015). Collection method: clinical testing. Allele origin: germline.
Comment: In summary, the currently available evidence indicates that the variant is pathogenic, but additional data are needed to prove that conclusively. Therefore, this variant has been classified as Likely Pathogenic. Donor and acceptor splice site variants typically lead to a loss of protein function (PMID: 16199547), and loss-of-function variants in FANCA are known to be pathogenic (PMID: 19367192). Algorithms developed to predict the effect of sequence changes on RNA splicing suggest that this variant may disrupt the consensus splice site, but this prediction has not been confirmed by published transcriptional studies. This variant has not been reported in the literature in individuals with FANCA-related conditions. This variant is not present in population databases (ExAC no frequency). This sequence change affects a donor splice site in intron 35 of the FANCA gene. It is expected to disrupt RNA splicing and likely results in an absent or disrupted protein product.

Literature cited by the submitters: PubMed 16199547 (cited by Labcorp Genetics (formerly Invitae), Labcorp); PubMed 19367192 (cited by Labcorp Genetics (formerly Invitae), Labcorp).

NM_000135.4(FANCA):c.3513+1G>A

Gene: FANCA (FA complementation group A; minus strand). Cytogenetic location: 16q24.3.
Variant type: single nucleotide variant.
Coding change: c.3513+1G>A on transcript NM_000135.4 (MANE Select); the canonical splice donor site of the intron after coding-DNA position 3513, G replaced by A.
Molecular consequence: splice donor variant.
Genome position (GRCh38, 1-based): chr16:89,746,583, C>T on the plus strand (G>A on the coding strand, the complement: FANCA is on the minus strand). VCF-style: chr16-89746583-C-T. GRCh37 (hg19) VCF-style: chr16-89812991-C-T.
Other names: c.3513+1G>A (NM_001286167.3).
Identifiers: ClinVar variation 945209 (VCV000945209.9), dbSNP rs1188082371, ClinGen allele CA397485816.